The following is an entry in ClinVar:

ClinVar aggregate classification (germline): Uncertain significance (1 of 4 stars; one submission).

Conditions:
Hereditary cancer-predisposing syndrome. Also called: Hereditary Cancer Syndrome; Hereditary neoplastic syndrome; Neoplastic Syndromes, Hereditary; Tumor predisposition. Identifiers: Orphanet 140162, MedGen C0027672, MeSH D009386, MONDO:0015356.

Submission:

Ambry Genetics
Classification: Uncertain significance for Hereditary cancer-predisposing syndrome. Last evaluated: 2021-04-26. Review status: criteria provided, single submitter. Criteria: Ambry Variant Classification Scheme 2023. Collection method: clinical testing. Allele origin: germline.
Comment: The c.5878_5880delCCGinsACA variant, located in coding exon 15 of the APC gene, results from an in-frame deletion of CCG and insertion of ACA at nucleotide positions 5878 to 5880. This results in the substitution of the proline residue for a threonine residue at codon 1960, an amino acid with highly similar properties. This amino acid position is highly conserved in available vertebrate species. In addition, the in silico prediction for this alteration is inconclusive (Choi Y et al. PLoS ONE. 2012; 7(10):e46688). Since supporting evidence is limited at this time, the clinical significance of this alteration remains unclear.

NM_000038.6(APC):c.5878_5880delinsACA (p.Pro1960Thr)

Gene: APC (APC regulator of Wnt signaling pathway; plus strand). Cytogenetic location: 5q22.2.
Variant type: Indel.
Coding change: c.5878_5880delinsACA on transcript NM_000038.6 (MANE Select); coding-DNA positions 5878 to 5880, CCG replaced by ACA.
Protein change: p.Pro1960Thr; replaces proline 1960 with threonine.
Molecular consequence: missense variant.
Genome position (GRCh38, 1-based): chr5:112,841,472-112,841,474, CCG replaced by ACA. VCF-style: chr5-112841472-CCG-ACA. GRCh37 (hg19) VCF-style: chr5-112177169-CCG-ACA.
Other names: c.4726_4728delCCGinsACA, p.Pro1576Thr (NM_001407471.1, NM_001407472.1); c.5878_5880delinsACA, p.Pro1960Thr (NM_001127510.3, NM_001354895.2); c.5824_5826delinsACA, p.Pro1942Thr (NM_001127511.3); c.5932_5934delinsACA, p.Pro1978Thr (NM_001354896.2); c.5908_5910delinsACA, p.Pro1970Thr (NM_001354897.2); c.5803_5805delinsACA, p.Pro1935Thr (NM_001354898.2); c.5794_5796delinsACA, p.Pro1932Thr (NM_001354899.2); c.5755_5757delinsACA, p.Pro1919Thr (NM_001354900.2); and 16 more; short protein forms P1831T, P1877T, P1901T, P1942T, P1988T, P1677T, P1800T, P1834T.
Identifiers: ClinVar variation 1750226 (VCV001750226.2), dbSNP rs2533674475, ClinGen allele CA2580072774.